The following is an entry in ClinVar:

NM_000222.3(KIT):c.2630C>A (p.Ser877Tyr)

Gene: KIT (KIT proto-oncogene, receptor tyrosine kinase; plus strand). Cytogenetic location: 4q12.
Variant type: single nucleotide variant.
Coding change: c.2630C>A on transcript NM_000222.3 (MANE Select); coding-DNA position 2630, C replaced by A.
Protein change: p.Ser877Tyr; replaces serine 877 with tyrosine.
Molecular consequence: missense variant.
Genome position (GRCh38, 1-based): chr4:54,736,754, C>A. VCF-style: chr4-54736754-C-A. GRCh37 (hg19) VCF-style: chr4-55602920-C-A.
Other names: c.2618C>A, p.Ser873Tyr (NM_001093772.2, NM_001385292.1); c.2633C>A, p.Ser878Tyr (NM_001385284.1); c.2627C>A, p.Ser876Tyr (NM_001385285.1); c.2615C>A, p.Ser872Tyr (NM_001385286.1); c.2621C>A, p.Ser874Tyr (NM_001385288.1); c.2630C>A, p.Ser877Tyr (NM_001385290.1); short protein forms S872Y, S873Y, S874Y, S876Y, S877Y, S878Y.
Identifiers: ClinVar variation 1061062 (VCV001061062.9), dbSNP rs1722943323, ClinGen allele CA356913785.

ClinVar aggregate classification (germline): Uncertain significance (1 of 4 stars; one submission).

Conditions:
Gastrointestinal stromal tumor. Also called: Gastrointestinal stromal tumor, somatic; Gastrointestinal stroma tumor. Identifiers: Orphanet 44890, MedGen C0238198, MeSH D046152, MONDO:0011719, OMIM 606764, HP:0100723.

Submission:

Labcorp Genetics (formerly Invitae), Labcorp
Classification: Uncertain significance for Gastrointestinal stromal tumor. Last evaluated: 2020-09-04. Review status: criteria provided, single submitter. Criteria: Invitae Variant Classification Sherloc (09022015). Collection method: clinical testing. Allele origin: germline.
Comment: This sequence change replaces serine with tyrosine at codon 877 of the KIT protein (p.Ser877Tyr). The serine residue is highly conserved and there is a large physicochemical difference between serine and tyrosine. This variant is not present in population databases (ExAC no frequency). This variant has not been reported in the literature in individuals with KIT-related conditions. Algorithms developed to predict the effect of missense changes on protein structure and function (SIFT, PolyPhen-2, Align-GVGD) all suggest that this variant is likely to be disruptive, but these predictions have not been confirmed by published functional studies and their clinical significance is uncertain. In summary, the available evidence is currently insufficient to determine the role of this variant in disease. Therefore, it has been classified as a Variant of Uncertain Significance.